The following is an entry in ClinVar:

ClinVar aggregate classification (germline): Likely benign. Review status: criteria provided, multiple submitters, no conflicts (2 of 4 stars). 2 submissions from 2 submitters: Likely benign (2). Last evaluated 2026-01-12.

Conditions:
Hereditary spastic paraplegia 8 (SPG8). Also called: SPASTIC PARAPLEGIA 8, AUTOSOMAL DOMINANT. Identifiers: Orphanet 100989, MedGen C1863704, MONDO:0011339, OMIM 603563.
Ritscher-Schinzel syndrome. Also called: CRANIOCEREBELLOCARDIAC DYSPLASIA. Identifiers: Orphanet 7, MedGen C0796137, MONDO:0019078.

Allele frequency attached by ClinVar (database versions not stated): gnomAD 0.00016 and 0.00015; ExAC 0.00014; gnomAD exomes 0.00019 and 0.00011; ESP Exome Variant Server 0.00023; TOPMed 0.00011.
gnomAD v4.1: 186 of 1,613,758 alleles (0.012%); highest among the groups gnomAD compares: Non-Finnish European, 0.0075%; no homozygotes.

Submissions (2):

Labcorp Genetics (formerly Invitae), Labcorp
Classification: Likely benign for Ritscher-Schinzel syndrome; Hereditary spastic paraplegia 8. Last evaluated: 2026-01-12. Review status: criteria provided, single submitter. Criteria: Invitae Variant Classification Sherloc (09022015). Collection method: clinical testing. Allele origin: germline.

Illumina Laboratory Services, Illumina
Classification: Likely benign for Hereditary spastic paraplegia 8. Last evaluated: 2018-01-13. Review status: criteria provided, single submitter. Criteria: ICSL Variant Classification Criteria 13 December 2019. Collection method: clinical testing. Allele origin: germline.
Comment: This variant was observed in the ICSL laboratory as part of a predisposition screen in an ostensibly healthy population. It had not been previously curated by ICSL or reported in the Human Gene Mutation Database (HGMD: prior to June 1st, 2018), and was therefore a candidate for classification through an automated scoring system. Utilizing variant allele frequency, disease prevalence and penetrance estimates, and inheritance mode, an automated score was calculated to assess if this variant is too frequent to cause the disease. Based on the score and internal cut-off values, a variant classified as likely benign is not then subjected to further curation. The score for this variant resulted in a classification of likely benign for this disease.

NM_014846.4(WASHC5):c.555T>C (p.Asp185=)

Gene: WASHC5 (WASH complex subunit 5; minus strand). Cytogenetic location: 8q24.13.
Variant type: single nucleotide variant.
Coding change: c.555T>C on transcript NM_014846.4 (MANE Select); coding-DNA position 555, T replaced by C.
Protein change: p.Asp185=; no amino-acid change (aspartic acid 185 retained).
Molecular consequence: synonymous variant.
Genome position (GRCh38, 1-based): chr8:125,078,894, A>G on the plus strand (T>C on the coding strand, the complement: WASHC5 is on the minus strand). VCF-style: chr8-125078894-A-G. GRCh37 (hg19) VCF-style: chr8-126091136-A-G.
Other names: c.111T>C, p.Asp37= (NM_001330609.2).
Identifiers: ClinVar variation 361732 (VCV000361732.14), dbSNP rs145934920, ClinGen allele CA4874077.